The following is an entry in ClinVar:

NM_001267550.2(TTN):c.107766T>C (p.Gly35922=)

Genes: TTN (titin; minus strand), TTN-AS1 (TTN antisense RNA 1; plus strand). Cytogenetic location: 2q31.2.
Variant type: single nucleotide variant.
Coding change: c.107766T>C on transcript NM_001267550.2 (MANE Select); coding-DNA position 107766, T replaced by C.
Protein change: p.Gly35922=; no amino-acid change (glycine 35922 retained).
Molecular consequence: synonymous variant.
Genome position (GRCh38, 1-based): chr2:178,527,222, A>G on the plus strand (T>C on the coding strand, the complement: TTN is on the minus strand). VCF-style: chr2-178527222-A-G. GRCh37 (hg19) VCF-style: chr2-179391949-A-G.
Other names: p.Gly33354=; c.102843T>C, p.Gly34281= (NM_001256850.1); c.100062T>C, p.Gly33354= (NM_133378.4); c.80571T>C, p.Gly26857= (NM_003319.4); c.80946T>C, p.Gly26982= (NM_133432.3); c.81147T>C, p.Gly27049= (NM_133437.4).
Identifiers: ClinVar variation 46574 (VCV000046574.39), dbSNP rs147293964, ClinGen allele CA138647.
Genomic context (GRCh38, chr2:178,527,222, plus strand): 5'-CTGTTCTTGACTGTGGATTTTTCTTCCACCACAGGACCATGTTACTTCTGGGGTAGGCTC[A>G]CCCGTGAAAGCACAGGCTACTGTTAGAACTTTGCCTTCATCAATGCTGATATCAGATGGA-3'
Protein context (NP_001254479.2, residues 35912-35932): KVLTVACAFT[Gly35922=]EPTPEVTWSC

ClinVar aggregate classification (germline): Conflicting classifications of pathogenicity. Review status: criteria provided, conflicting classifications (1 of 4 stars). 18 submissions from 14 submitters: Uncertain significance (3); Benign (4); Likely benign (7). 4 of the submissions do not count toward it. Last evaluated 2026-02-03.

Conditions:
TTN-related disorder. Also called: TTN-related condition; TTN-related disease; TTN-related disorders.
Cardiovascular phenotype. Identifiers: MedGen CN230736.
Autosomal recessive limb-girdle muscular dystrophy type 2J (LGMDR10). Also called: Limb-girdle muscular dystrophy, type 2J; MUSCULAR DYSTROPHY, LIMB-GIRDLE, AUTOSOMAL RECESSIVE 10. Identifiers: Orphanet 140922, MedGen C1837342, MONDO:0012127, OMIM 608807.
Dilated cardiomyopathy 1G (CMD1G). Identifiers: Orphanet 154, MedGen C1858763, MONDO:0011400, OMIM 604145.
Early-onset myopathy with fatal cardiomyopathy (CMYO5). Also called: Salih Myopathy; CONGENITAL MYOPATHY 5 WITH CARDIOMYOPATHY. Identifiers: Orphanet 289377, MedGen C2673677, MONDO:0012714, OMIM 611705. Disease mechanism: loss of function.
Myopathy, myofibrillar, 9, with early respiratory failure (MFM9). Also called: Hereditary myopathy with early respiratory failure; EDSTROM MYOPATHY; MYOPATHY, PROXIMAL, WITH EARLY RESPIRATORY MUSCLE INVOLVEMENT; Myopathy, distal, with early respiratory failure, autosomal dominant. Identifiers: Orphanet 178464, Orphanet 34521, MedGen C1863599, MONDO:0011362, OMIM 603689.
Tibial muscular dystrophy (TMD). Also called: UDD MYOPATHY; Udd Distal Myopathy – Tibial Muscular Dystrophy; Tibial muscular dystrophy, tardive. Identifiers: Orphanet 609, MedGen C1838244, MONDO:0010870, OMIM 600334.

Allele frequency attached by ClinVar (database versions not stated): gnomAD exomes 0.00005 and 0.00018; 1000 Genomes Project 30x 0.00016; 1000 Genomes Project 0.00020; ExAC 0.00024; ESP Exome Variant Server 0.00067; gnomAD 0.00081 and 0.00091; TOPMed 0.00111.
gnomAD v4.1: 208 of 1,613,926 alleles (0.013%); highest among the groups gnomAD compares: African/African-American, 0.25%; no homozygotes.

Submissions (18):

Labcorp Genetics (formerly Invitae), Labcorp
Classification: Benign for Dilated cardiomyopathy 1G; Autosomal recessive limb-girdle muscular dystrophy type 2J. Last evaluated: 2026-02-03. Review status: criteria provided, single submitter. Criteria: Invitae Variant Classification Sherloc (09022015). Collection method: clinical testing. Allele origin: germline.

Mayo Clinic Laboratories, Mayo Clinic
Classification: Likely benign. Last evaluated: 2025-08-18. Review status: criteria provided, single submitter. Criteria: ACMG Guidelines, 2015. Collection method: clinical testing. Allele origin: germline. Observed: 3 variant alleles.
Comment: BP4, BP7

Molecular Diagnostic Laboratory for Inherited Cardiovascular Disease, Montreal Heart Institute
Classification: Likely benign. Last evaluated: 2025-04-09. Review status: criteria provided, single submitter. Criteria: ACMG Guidelines, 2015. Collection method: clinical testing. Allele origin: germline. Affected: no.

Blueprint Genetics
Classification: Likely benign. Last evaluated: 2022-05-04. Review status: criteria provided, single submitter. Criteria: ACMG Guidelines, 2015. Collection method: clinical testing. Allele origin: germline.

Women's Health and Genetics/Laboratory Corporation of America, LabCorp
Classification: Likely benign. Last evaluated: 2021-07-18. Review status: criteria provided, single submitter. Criteria: LabCorp Variant Classification Summary - May 2015. Collection method: clinical testing. Allele origin: germline.

GeneDx
Classification: Likely benign. Last evaluated: 2020-11-23. Review status: criteria provided, single submitter. Criteria: GeneDx Variant Classification Process June 2021. Collection method: clinical testing. Allele origin: germline. Affected: yes.

Illumina Laboratory Services, Illumina
Classification: Uncertain significance for Early-onset myopathy with fatal cardiomyopathy. Last evaluated: 2018-01-12. Review status: criteria provided, single submitter. Criteria: ICSL Variant Classification Criteria 13 December 2019. Collection method: clinical testing. Allele origin: germline.

Illumina Laboratory Services, Illumina
Classification: Benign for Myopathy, myofibrillar, 9, with early respiratory failure. Last evaluated: 2018-01-12. Review status: criteria provided, single submitter. Criteria: ICSL Variant Classification Criteria 13 December 2019. Collection method: clinical testing. Allele origin: germline.
Comment: This variant was observed in the ICSL laboratory as part of a predisposition screen in an ostensibly healthy population. It had not been previously curated by ICSL or reported in the Human Gene Mutation Database (HGMD: prior to June 1st, 2018), and was therefore a candidate for classification through an automated scoring system. Utilizing variant allele frequency, disease prevalence and penetrance estimates, and inheritance mode, an automated score was calculated to assess if this variant is too frequent to cause the disease. Based on the score and internal cut-off values, a variant classified as benign is not then subjected to further curation. The score for this variant resulted in a classification of benign for this disease.

Illumina Laboratory Services, Illumina
Classification: Benign for Tibial muscular dystrophy. Last evaluated: 2018-01-12. Review status: criteria provided, single submitter. Criteria: ICSL Variant Classification Criteria 13 December 2019. Collection method: clinical testing. Allele origin: germline.
Comment: the same text as in the submission from Illumina Laboratory Services, Illumina above.

Illumina Laboratory Services, Illumina
Classification: Uncertain significance for Autosomal recessive limb-girdle muscular dystrophy type 2J. Last evaluated: 2018-01-12. Review status: criteria provided, single submitter. Criteria: ICSL Variant Classification Criteria 13 December 2019. Collection method: clinical testing. Allele origin: germline.

Illumina Laboratory Services, Illumina
Classification: Uncertain significance for Dilated cardiomyopathy 1G. Last evaluated: 2018-01-12. Review status: criteria provided, single submitter. Criteria: ICSL Variant Classification Criteria 13 December 2019. Collection method: clinical testing. Allele origin: germline.

Eurofins Ntd Llc (ga)
Classification: Likely benign. Last evaluated: 2017-11-16. Review status: criteria provided, single submitter. Criteria: EGL Classification Definitions 2015. Collection method: clinical testing. Allele origin: germline. Observed: 3 variant alleles, 3 heterozygotes.

Laboratory for Molecular Medicine, Mass General Brigham Personalized Medicine
Classification: Benign. Last evaluated: 2015-06-10. Review status: criteria provided, single submitter. Criteria: LMM Criteria. Collection method: clinical testing. Allele origin: germline. Observed: 4 variant alleles.
Comment: p.Gly33354Gly in exon 312 of TTN: This variant is not expected to have clinical significance because it does not alter an amino acid residue, is not located wit hin the splice consensus sequence, and has been identified in 0.3% (28/9724) of African chromosomes by the Exome Aggregation Consortium (ExAC; dbSNP rs147293964).

Ambry Genetics
Classification: Likely benign for Cardiovascular phenotype. Last evaluated: 2013-10-18. Review status: criteria provided, single submitter. Criteria: Ambry Autosomal Dominant and X-Linked criteria (10/2015). Collection method: clinical testing. Allele origin: germline. Observed: 1 variant allele.

PreventionGenetics, part of Exact Sciences
Classification: Likely benign for TTN-related condition. Last evaluated: 2019-11-14. Review status: no assertion criteria provided. Collection method: clinical testing. Allele origin: germline. Not counted in ClinVar's aggregate classification.
Comment: This variant is classified as likely benign based on ACMG/AMP sequence variant interpretation guidelines (Richards et al. 2015 PMID: 25741868, with internal and published modifications).

Clinical Genetics DNA and cytogenetics Diagnostics Lab, Erasmus MC, Erasmus Medical Center
Classification: Likely benign. Review status: no assertion criteria provided. Collection method: clinical testing. Allele origin: germline. Affected: yes. Study: VKGL Data-share Consensus. Not counted in ClinVar's aggregate classification.

Clinical Genetics, Academic Medical Center
Classification: Benign. Review status: no assertion criteria provided. Collection method: clinical testing. Allele origin: germline. Affected: yes. Study: VKGL Data-share Consensus. Not counted in ClinVar's aggregate classification.

Diagnostic Laboratory, Department of Genetics, University Medical Center Groningen
Classification: Likely benign. Review status: no assertion criteria provided. Collection method: clinical testing. Allele origin: germline. Affected: yes. Study: VKGL Data-share Consensus. Not counted in ClinVar's aggregate classification.